The following is an entry in ClinVar:

ClinVar aggregate classification (germline): Uncertain significance (1 of 4 stars; one submission).

Conditions:
Inborn genetic diseases. Identifiers: MedGen C0950123, MeSH D030342.

Allele frequency attached by ClinVar (database versions not stated): gnomAD 0.00001; gnomAD exomes 0.00001; TOPMed 0.00001; ExAC 0.00001.
gnomAD v4.1: 7 of 1,613,734 alleles (0.00043%); highest among the groups gnomAD compares: African/African-American, 0.004%; no homozygotes.

Submission:

Ambry Genetics
Classification: Uncertain significance for Inborn genetic diseases. Last evaluated: 2022-07-15. Review status: criteria provided, single submitter. Criteria: Ambry Variant Classification Scheme 2023. Collection method: clinical testing. Allele origin: germline.
Comment: The c.1415G>A (p.S472N) alteration is located in coding exon 12 of the DPYD gene. This alteration results from a G to A substitution at nucleotide position 1415, causing the serine (S) at amino acid position 472 to be replaced by an asparagine (N). Based on insufficient or conflicting evidence, the clinical significance of this alteration remains unclear.

NM_000110.4(DPYD):c.1415G>A (p.Ser472Asn)

Gene: DPYD (dihydropyrimidine dehydrogenase; minus strand). Cytogenetic location: 1p21.3.
Variant type: single nucleotide variant.
Coding change: c.1415G>A on transcript NM_000110.4 (MANE Select); coding-DNA position 1415, G replaced by A.
Protein change: p.Ser472Asn; replaces serine 472 with asparagine.
Molecular consequence: missense variant.
Genome position (GRCh38, 1-based): chr1:97,549,669, C>T on the plus strand (G>A on the coding strand, the complement: DPYD is on the minus strand). VCF-style: chr1-97549669-C-T. GRCh37 (hg19) VCF-style: chr1-98015225-C-T.
Other names: short protein forms S472N.
Identifiers: ClinVar variation 521319 (VCV000521319.5), dbSNP rs776082092, ClinGen allele CA963347.